The following is an entry in ClinVar:

NM_005996.4(TBX3):c.1815C>T (p.Arg605=)

Gene: TBX3 (T-box transcription factor 3; minus strand). Cytogenetic location: 12q24.21.
Variant type: single nucleotide variant.
Coding change: c.1815C>T on transcript NM_005996.4 (MANE Select); coding-DNA position 1815, C replaced by T.
Protein change: p.Arg605=; no amino-acid change (arginine 605 retained).
Molecular consequence: synonymous variant.
Genome position (GRCh38, 1-based): chr12:114,672,198, G>A on the plus strand (C>T on the coding strand, the complement: TBX3 is on the minus strand). VCF-style: chr12-114672198-G-A. GRCh37 (hg19) VCF-style: chr12-115110003-G-A.
Other names: c.1875C>T, p.Arg625= (NM_016569.4); c.1875C>T (NM_016569.3).
Identifiers: ClinVar variation 1634530 (VCV001634530.9), dbSNP rs770459748, ClinGen allele CA6809840.

ClinVar aggregate classification (germline): Likely benign. Review status: criteria provided, single submitter (1 of 4 stars). 2 submissions from 2 submitters: Likely benign (1). 1 of the submissions does not count toward it. Last evaluated 2025-10-01.

Conditions:
TBX3-related disorder. Also called: TBX3-related condition.
Ulnar-mammary syndrome (UMS). Also called: Ulnar-mammary syndrome of Pallister; SCHINZEL SYNDROME; PALLISTER ULNAR-MAMMARY SYNDROME. Identifiers: Orphanet 3138, MedGen C1866994, MONDO:0008411, OMIM 181450.

Allele frequency attached by ClinVar (database versions not stated): gnomAD 0.00001.
gnomAD v4.1: 3 of 1,571,462 alleles (0.00019%); highest among the groups gnomAD compares: Admixed American, 0.0056%; no homozygotes.

Submissions (2):

Labcorp Genetics (formerly Invitae), Labcorp
Classification: Likely benign for Ulnar-mammary syndrome. Last evaluated: 2025-10-01. Review status: criteria provided, single submitter. Criteria: Invitae Variant Classification Sherloc (09022015). Collection method: clinical testing. Allele origin: germline.

PreventionGenetics, part of Exact Sciences
Classification: Likely benign for TBX3-related condition. Last evaluated: 2024-04-25. Review status: no assertion criteria provided. Collection method: clinical testing. Allele origin: germline. Not counted in ClinVar's aggregate classification.
Comment: This variant is classified as likely benign based on ACMG/AMP sequence variant interpretation guidelines (Richards et al. 2015 PMID: 25741868, with internal and published modifications).